The following is an entry in ClinVar:

NM_000535.7(PMS2):c.2061A>G (p.Ile687Met)

Gene: PMS2 (PMS1 homolog 2, mismatch repair system component; minus strand). Cytogenetic location: 7p22.1.
Variant type: single nucleotide variant.
Coding change: c.2061A>G on transcript NM_000535.7 (MANE Select); coding-DNA position 2061, A replaced by G.
Protein change: p.Ile687Met; replaces isoleucine 687 with methionine.
Molecular consequence: missense variant. On other transcripts: non-coding transcript variant (1).
Genome position (GRCh38, 1-based): chr7:5,982,937, T>C on the plus strand (A>G on the coding strand, the complement: PMS2 is on the minus strand). VCF-style: chr7-5982937-T-C. GRCh37 (hg19) VCF-style: chr7-6022568-T-C.
Other names: c.2061A>G (NM_000535.5); c.1656A>G, p.Ile552Met (NM_001322003.2, NM_001322004.2, NM_001322005.2 and 1 more transcripts); c.1905A>G, p.Ile635Met (NM_001322006.2); c.1743A>G, p.Ile581Met (NM_001322007.2, NM_001322008.2); c.1500A>G, p.Ile500Met (NM_001322010.2); c.1128A>G, p.Ile376Met (NM_001322011.2, NM_001322012.2); c.1488A>G, p.Ile496Met (NM_001322013.2); c.2061A>G, p.Ile687Met (NM_001322014.2); and 1 more; short protein forms I376M, I552M, I584M, I635M, I500M, I496M, I581M, I687M.
Identifiers: ClinVar variation 1047158 (VCV001047158.9), dbSNP rs1782461393, ClinGen allele CA366738081.
Genomic context (GRCh38, chr7:5,982,937, plus strand): 5'-ATACTTCTCGTCCGTGGCATGCTGGTCCACTATGAAGATATCCTCATTCAGTTTGGTTAT[T>C]ATAAATCCCAGGTTAAACTGACCAATGATTTCCATTTCTGCAAACATCGTTTTACTGCAG-3'
Protein context (NP_000526.2, residues 677-697): EIIGQFNLGF[Ile687Met]ITKLNEDIFI

ClinVar aggregate classification (germline): Uncertain significance. Review status: criteria provided, multiple submitters, no conflicts (2 of 4 stars). 3 submissions from 3 submitters: Uncertain significance (3). Last evaluated 2025-09-08.

Conditions:
Hereditary cancer-predisposing syndrome. Also called: Hereditary Cancer Syndrome; Tumor predisposition; Hereditary neoplastic syndrome; Neoplastic Syndromes, Hereditary. Identifiers: Orphanet 140162, MedGen C0027672, MeSH D009386, MONDO:0015356.
Hereditary nonpolyposis colorectal neoplasms. Identifiers: MedGen C0009405, MeSH D003123.

Submissions (3):

Color Diagnostics, LLC DBA Color Health
Classification: Uncertain significance for Hereditary cancer-predisposing syndrome. Last evaluated: 2025-09-08. Review status: criteria provided, single submitter. Criteria: ACMG Guidelines, 2015. Collection method: clinical testing. Allele origin: germline.
Comment: This missense variant replaces isoleucine with methionine at codon 687 of the PMS2 protein. Computational prediction is inconclusive regarding the impact of this variant on protein structure and function. To our knowledge, functional studies have not been reported for this variant. This variant has not been reported in individuals affected with PMS2-related disorders in the literature. This variant has not been identified in the general population by the Genome Aggregation Database (gnomAD). The available evidence is insufficient to determine the role of this variant in disease conclusively. Therefore, this variant is classified as a Variant of Uncertain Significance.

Ambry Genetics
Classification: Uncertain significance for Hereditary cancer-predisposing syndrome. Last evaluated: 2024-01-17. Review status: criteria provided, single submitter. Criteria: Ambry Variant Classification Scheme 2023. Collection method: clinical testing. Allele origin: germline.
Comment: The p.I687M variant (also known as c.2061A>G), located in coding exon 12 of the PMS2 gene, results from an A to G substitution at nucleotide position 2061. The isoleucine at codon 687 is replaced by methionine, an amino acid with highly similar properties. This amino acid position is conserved. In addition, the in silico prediction for this alteration is inconclusive. Based on the available evidence, the clinical significance of this alteration remains unclear.

Labcorp Genetics (formerly Invitae), Labcorp
Classification: Uncertain significance for Hereditary nonpolyposis colorectal neoplasms. Last evaluated: 2022-09-28. Review status: criteria provided, single submitter. Criteria: Invitae Variant Classification Sherloc (09022015). Collection method: clinical testing. Allele origin: germline.
Comment: In summary, the available evidence is currently insufficient to determine the role of this variant in disease. Therefore, it has been classified as a Variant of Uncertain Significance. Advanced modeling of protein sequence and biophysical properties (such as structural, functional, and spatial information, amino acid conservation, physicochemical variation, residue mobility, and thermodynamic stability) performed at Invitae indicates that this missense variant is expected to disrupt PMS2 protein function. ClinVar contains an entry for this variant (Variation ID: 1047158). This variant has not been reported in the literature in individuals affected with PMS2-related conditions. The frequency data for this variant in the population databases (gnomAD) is considered unreliable due to the presence of homologous sequence, such as pseudogenes or paralogs, in the genome. This sequence change replaces isoleucine, which is neutral and non-polar, with methionine, which is neutral and non-polar, at codon 687 of the PMS2 protein (p.Ile687Met).